The following is an entry in ClinVar:

NM_032578.4(MYPN):c.3583G>A (p.Val1195Met)

Gene: MYPN (myopalladin; plus strand). Cytogenetic location: 10q21.3.
Variant type: single nucleotide variant.
Coding change: c.3583G>A on transcript NM_032578.4 (MANE Select); coding-DNA position 3583, G replaced by A.
Protein change: p.Val1195Met; replaces valine 1195 with methionine.
Molecular consequence: missense variant. On other transcripts: non-coding transcript variant (2).
Genome position (GRCh38, 1-based): chr10:68,201,918, G>A. VCF-style: chr10-68201918-G-A. GRCh37 (hg19) VCF-style: chr10-69961675-G-A.
Other names: p.V1195M:GTG>ATG; c.3583G>A, p.Val1195Met (NM_001256267.2); c.2701G>A, p.Val901Met (NM_001256268.2); short protein forms V1195M, V901M.
Identifiers: ClinVar variation 31792 (VCV000031792.32), dbSNP rs71534280, ClinGen allele CA143766.
Genomic context (GRCh38, chr10:68,201,918, plus strand): 5'-CTGGAGAAACTACAGAACTGCGGTGTTCCCGAAGGCCACCCCGTGAGACTGGAGTGCCGC[G>A]TGATAGGCATGCCCCCACCTGTGTTCTACTGGAAGAAAGACAATGAGACCATCCCTTGCA-3'
Protein context (NP_115967.2, residues 1185-1205): EGHPVRLECR[Val1195Met]IGMPPPVFYW

ClinVar aggregate classification (germline): Conflicting classifications of pathogenicity. Review status: criteria provided, conflicting classifications (1 of 4 stars). 14 submissions from 14 submitters: Uncertain significance (5); Likely benign (4). 5 of the submissions do not count toward it. Last evaluated 2026-01-15.

Conditions:
MYPN-related myopathy (CMYO24). Also called: Nemaline myopathy 11, autosomal recessive. Identifiers: MedGen C4479186, MONDO:0015023, OMIM 617336.
MYPN-related disorder. Also called: MYPN-related condition.
Cardiovascular phenotype. Identifiers: MedGen CN230736.
Dilated cardiomyopathy 1KK (CMD1KK). Identifiers: Orphanet 154, Orphanet 75249, MedGen C3714995, MONDO:0014100, OMIM 615248.

Allele frequency attached by ClinVar (database versions not stated): gnomAD exomes 0.00014 and 0.00025; ExAC 0.00026; ESP Exome Variant Server 0.00031; 1000 Genomes Project 0.00060; 1000 Genomes Project 30x 0.00062; TOPMed 0.00075; gnomAD 0.00077 and 0.00083.
gnomAD v4.1: 322 of 1,614,172 alleles (0.02%); highest among the groups gnomAD compares: African/African-American, 0.27%; 1 homozygote.

Submissions (14):

Labcorp Genetics (formerly Invitae), Labcorp
Classification: Likely benign for Dilated cardiomyopathy 1KK. Last evaluated: 2026-01-15. Review status: criteria provided, single submitter. Criteria: Invitae Variant Classification Sherloc (09022015). Collection method: clinical testing. Allele origin: germline.

Revvity Omics, Revvity
Classification: Uncertain significance. Last evaluated: 2025-05-05. Review status: criteria provided, single submitter. Criteria: ACMG Guidelines, 2015. Collection method: clinical testing. Allele origin: germline.

Mayo Clinic Laboratories, Mayo Clinic
Classification: Uncertain significance. Last evaluated: 2025-02-13. Review status: criteria provided, single submitter. Criteria: ACMG Guidelines, 2015. Collection method: clinical testing. Allele origin: germline. Observed: 1 variant allele.
Comment: BS1, PP3

Genomic Medicine Center of Excellence, King Faisal Specialist Hospital and Research Centre
Classification: Uncertain significance for MYPN-related myopathy. Last evaluated: 2024-03-26. Review status: criteria provided, single submitter. Criteria: ACMG Guidelines, 2015. Collection method: clinical testing. Allele origin: germline.

Women's Health and Genetics/Laboratory Corporation of America, LabCorp
Classification: Likely benign. Last evaluated: 2023-12-17. Review status: criteria provided, single submitter. Criteria: LabCorp Variant Classification Summary - May 2015. Collection method: clinical testing. Allele origin: germline.

GeneDx
Classification: Likely benign. Last evaluated: 2020-05-28. Review status: criteria provided, single submitter. Criteria: GeneDx Variant Classification Process June 2021. Collection method: clinical testing. Allele origin: germline. Affected: yes.
Comment: This variant is associated with the following publications: (PMID: 22892539, 22337857, 23299917, 18006477, 27896284)

Genomic Research Center, Shahid Beheshti University of Medical Sciences
Classification: Uncertain significance for Dilated cardiomyopathy 1KK. Last evaluated: 2019-04-27. Review status: criteria provided, single submitter. Criteria: ACMG Guidelines, 2015. Collection method: clinical testing. Allele origin: unknown. Affected: yes.

Ambry Genetics
Classification: Likely benign for Cardiovascular phenotype. Last evaluated: 2019-04-10. Review status: criteria provided, single submitter. Criteria: Ambry Variant Classification Scheme 2023. Collection method: clinical testing. Allele origin: germline.

Laboratory for Molecular Medicine, Mass General Brigham Personalized Medicine
Classification: Uncertain significance. Last evaluated: 2017-05-18. Review status: criteria provided, single submitter. Criteria: LMM Criteria. Collection method: clinical testing. Allele origin: germline. Observed: 2 variant alleles.
Comment: The p.Val1195Met variant in MYPN has been reported in at least 2 individuals wit h DCM (Duboscq-Bidot 2008, LMM data). It has been reported in ClinVar (Variant I D: 31792) with conflicting interpretations. This variant has also been identifie d in 0.2% (53/24012) of African chromosomes by the Genome Aggregation Database ( gnomAD; dbSNP rs71534280). Computational predi ction tools and conservation analysis suggest that this variant may impact the p rotein, though this information is not predictive enough to determine pathogenic ity. A single in vitro functional study reports that the p.Val1195Met variant ma y impact protein function (Duboscq-Bidot 2008). However, these types of assays m ay not accurately represent biological function. In summary, the clinical signif icance of the p.Val1195Met variant is uncertain.

PreventionGenetics, part of Exact Sciences
Classification: Likely benign for MYPN-related condition. Last evaluated: 2024-09-04. Review status: no assertion criteria provided. Collection method: clinical testing. Allele origin: germline. Not counted in ClinVar's aggregate classification.
Comment: This variant is classified as likely benign based on ACMG/AMP sequence variant interpretation guidelines (Richards et al. 2015 PMID: 25741868, with internal and published modifications).

Leiden Muscular Dystrophy (MYPN)
No classification provided. Last evaluated: 2012-04-27. Review status: no classification provided. Collection method: curation. Allele origin: germline. Not counted in ClinVar's aggregate classification.

OMIM
Classification: Pathogenic for CARDIOMYOPATHY, DILATED, 1KK. Last evaluated: 2008-01-01. Review status: no assertion criteria provided. Collection method: literature only. Allele origin: germline. Not counted in ClinVar's aggregate classification.

Clinical Genetics, Academic Medical Center
Classification: Likely benign. Review status: no assertion criteria provided. Collection method: clinical testing. Allele origin: germline. Affected: yes. Study: VKGL Data-share Consensus. Not counted in ClinVar's aggregate classification.

Genome Diagnostics Laboratory, University Medical Center Utrecht
Classification: Likely benign. Review status: no assertion criteria provided. Collection method: clinical testing. Allele origin: germline. Affected: yes. Study: VKGL Data-share Consensus. Not counted in ClinVar's aggregate classification.

Literature cited by the submitters: PubMed 18006477 (cited by 4 submitters); PubMed 19466753 (cited by Mayo Clinic Laboratories, Mayo Clinic); PubMed 21455759 (cited by Mayo Clinic Laboratories, Mayo Clinic); PubMed 22337857 (cited by 3 submitters); PubMed 22892539 (cited by Mayo Clinic Laboratories, Mayo Clinic and Laboratory for Molecular Medicine, Mass General Brigham Personalized Medicine); PubMed 23299917 (cited by 3 submitters); PubMed 27896284 (cited by 3 submitters); PubMed 28611029 (cited by Mayo Clinic Laboratories, Mayo Clinic and Ambry Genetics); PubMed 32746448 (cited by Mayo Clinic Laboratories, Mayo Clinic); PubMed 33802723 (cited by Mayo Clinic Laboratories, Mayo Clinic).